The following is an entry in ClinVar:

ClinVar aggregate classification (germline): Pathogenic (1 of 4 stars; one submission).

Conditions:
Autosomal recessive limb-girdle muscular dystrophy type R18 (LGMDR18). Also called: Limb-girdle muscular dystrophy, type 2S; MUSCULAR DYSTROPHY, LIMB-GIRDLE, AUTOSOMAL RECESSIVE 18; Autosomal recessive limb-girdle muscular dystrophy type 2S. Identifiers: Orphanet 369840, MedGen C4517996, MONDO:0014144, OMIM 615356.

Submission:

Labcorp Genetics (formerly Invitae), Labcorp
Classification: Pathogenic for Autosomal recessive limb-girdle muscular dystrophy type R18. Last evaluated: 2021-12-23. Review status: criteria provided, single submitter. Criteria: Invitae Variant Classification Sherloc (09022015). Collection method: clinical testing. Allele origin: germline.
Comment: This sequence change creates a premature translational stop signal (p.Asp59Argfs*2) in the TRAPPC11 gene. It is expected to result in an absent or disrupted protein product. Loss-of-function variants in TRAPPC11 are known to be pathogenic (PMID: 23830518, 26322222). This variant is not present in population databases (gnomAD no frequency). This variant has not been reported in the literature in individuals affected with TRAPPC11-related conditions. Algorithms developed to predict the effect of sequence changes on RNA splicing suggest that this variant may create or strengthen a splice site. For these reasons, this variant has been classified as Pathogenic.

Literature cited by the submitters: PubMed 23830518; PubMed 26322222.

NM_021942.6(TRAPPC11):c.171_174dup (p.Asp59delinsArgTer)

Gene: TRAPPC11 (trafficking protein particle complex subunit 11; plus strand). Cytogenetic location: 4q35.1.
Variant type: Duplication.
Coding change: c.171_174dup on transcript NM_021942.6 (MANE Select); coding-DNA positions 171 to 174, 4 bases duplicated (AGGT; older notation c.171_174dupAGGT).
Protein change: p.Asp59delinsArgTer.
Molecular consequence: nonsense.
Genome position (GRCh38, 1-based): chr4:183,664,038-183,664,041, AGGT duplicated. VCF-style (leftmost placement, unchanged base first): chr4-183664037-C-CAGGT. GRCh37 (hg19) VCF-style: chr4-184585190-C-CAGGT.
Other names: c.171_174dup, p.Asp59delinsArgTer (NM_199053.3).
Identifiers: ClinVar variation 1972684 (VCV001972684.5), dbSNP rs2477068133, ClinGen allele CA2580071692.